The following is an entry in ClinVar:

ClinVar aggregate classification (germline): Likely pathogenic (1 of 4 stars; one submission).

Conditions:
Atypical hemolytic-uremic syndrome with C3 anomaly. Also called: AHUS, SUSCEPTIBILITY TO, 5. Identifiers: Orphanet 2134, MedGen C2752037, MONDO:0013043, OMIM 612925.

Submission:

UAEU Genomics Laboratory, United Arab Emirates University
Classification: Likely pathogenic for Atypical hemolytic-uremic syndrome with C3 anomaly. Last evaluated: 2024-08-22. Review status: criteria provided, single submitter. Criteria: ACMG Guidelines, 2015. Collection method: research. Allele origin: germline. Affected: yes. Observed: 1 variant allele.
Comment: PM2, PVS1

NM_000064.4(C3):c.1068_1075del (p.His356fs)

Gene: C3 (complement C3; minus strand). Cytogenetic location: 19p13.3.
Variant type: Deletion.
Coding change: c.1068_1075del on transcript NM_000064.4 (MANE Select); coding-DNA positions 1068 to 1075, 8 bases deleted (CTTCACCA; older notation c.1068_1075delCTTCACCA).
Protein change: p.His356fs; shifts the reading frame from histidine 356.
Molecular consequence: frameshift variant.
Genome position (GRCh38, 1-based): chr19:6,712,552-6,712,559, TGGTGAAG deleted on the plus strand (CTTCACCA on the coding strand, the reverse complement: C3 is on the minus strand); deleting any 8 consecutive bases within chr19:6,712,552-6,712,562 gives the same sequence; the c. name uses the placement nearest the transcript's 3' end. VCF-style (leftmost placement, unchanged base first): chr19-6712551-TTGGTGAAG-T. GRCh37 (hg19) VCF-style: chr19-6712562-TTGGTGAAG-T.
Other names: NP_000055.2:p.His356Glnfs*13; c.1068_1075delCTTCACCA (NM_000064.4); short protein forms H356fs.
Identifiers: ClinVar variation 5021157 (VCV005021157.1).